The following is an entry in ClinVar:

ClinVar aggregate classification (germline): Uncertain significance (1 of 4 stars; one submission).

Conditions:
Bethlem myopathy 2 (BTHLM2). Identifiers: Orphanet 536516, Orphanet 610, MedGen C4225313, MONDO:0034022, OMIM 616471.
Ullrich congenital muscular dystrophy 2 (UCMD2). Identifiers: Orphanet 75840, MedGen C4225314, MONDO:0014654, OMIM 616470.

gnomAD v4.1: 1 of 1,613,684 alleles (0.000062%); highest among the groups gnomAD compares: Non-Finnish European, 0.000085%; no homozygotes.

Submission:

Labcorp Genetics (formerly Invitae), Labcorp
Classification: Uncertain significance for Bethlem myopathy 2; Ullrich congenital muscular dystrophy 2. Last evaluated: 2025-06-22. Review status: criteria provided, single submitter. Criteria: Invitae Variant Classification Sherloc (09022015). Collection method: clinical testing. Allele origin: germline.
Comment: This sequence change replaces alanine, which is neutral and non-polar, with valine, which is neutral and non-polar, at codon 342 of the COL12A1 protein (p.Ala342Val). This variant is not present in population databases (gnomAD no frequency). This variant has not been reported in the literature in individuals affected with COL12A1-related conditions. Invitae Evidence Modeling of protein sequence and biophysical properties (such as structural, functional, and spatial information, amino acid conservation, physicochemical variation, residue mobility, and thermodynamic stability) indicates that this missense variant is not expected to disrupt COL12A1 protein function with a negative predictive value of 80%. In summary, the available evidence is currently insufficient to determine the role of this variant in disease. Therefore, it has been classified as a Variant of Uncertain Significance.

NM_004370.6(COL12A1):c.1025C>T (p.Ala342Val)

Gene: COL12A1 (collagen type XII alpha 1 chain; minus strand). Cytogenetic location: 6q13.
Variant type: single nucleotide variant.
Coding change: c.1025C>T on transcript NM_004370.6 (MANE Select); coding-DNA position 1025, C replaced by T.
Protein change: p.Ala342Val; replaces alanine 342 with valine.
Molecular consequence: missense variant. On other transcripts: intron variant (2).
Genome position (GRCh38, 1-based): chr6:75,184,117, G>A on the plus strand (C>T on the coding strand, the complement: COL12A1 is on the minus strand). VCF-style: chr6-75184117-G-A. GRCh37 (hg19) VCF-style: chr6-75893833-G-A.
Other names: c.1025C>T, p.Ala342Val (NM_001424113.1, NM_001424114.1, NM_001424115.1); c.73+18603C>T (NM_001424116.1, NM_080645.3); short protein forms A342V.
Identifiers: ClinVar variation 4791650 (VCV004791650.1).